The following is an entry in ClinVar:

NM_003001.5(SDHC):c.95C>T (p.Thr32Ile)

Gene: SDHC (succinate dehydrogenase complex subunit C; plus strand). Cytogenetic location: 1q23.3.
Variant type: single nucleotide variant.
Coding change: c.95C>T on transcript NM_003001.5 (MANE Select); coding-DNA position 95, C replaced by T.
Protein change: p.Thr32Ile; replaces threonine 32 with isoleucine.
Molecular consequence: missense variant. On other transcripts: 5 prime UTR variant (2), non-coding transcript variant (1), intron variant (4).
Genome position (GRCh38, 1-based): chr1:161,328,413, C>T. VCF-style: chr1-161328413-C-T. GRCh37 (hg19) VCF-style: chr1-161298203-C-T.
Other names: c.95C>T, p.Thr32Ile (NM_001035511.3, NM_001407115.1); c.38C>T, p.Thr13Ile (NM_001407116.1, NM_001407117.1, NM_001407121.1); c.-17C>T (NM_001407119.1, NM_001407120.1); c.77+4743C>T (NM_001035512.3, NM_001278172.3, NM_001407118.1); c.21-12181C>T (NM_001035513.3); short protein forms T13I, T32I.
Identifiers: ClinVar variation 4784586 (VCV004784586.1).

ClinVar aggregate classification (germline): Uncertain significance (1 of 4 stars; one submission).

Conditions:
Pheochromocytoma/paraganglioma syndrome 3. Also called: GLOMUS TUMORS, FAMILIAL, 3; Paragangliomas 3; SDHC-Related Hereditary Paraganglioma-Pheochromocytoma Syndrome (Paragangliomas 3); SDHC-Related Hereditary Paraganglioma-Pheochromocytoma Syndrome. Identifiers: Orphanet 29072, MedGen C1854336, MONDO:0011544, OMIM 605373.
Gastrointestinal stromal tumor. Also called: Gastrointestinal stroma tumor; Gastrointestinal stromal tumor, somatic. Identifiers: Orphanet 44890, MedGen C0238198, MeSH D046152, MONDO:0011719, OMIM 606764, HP:0100723.

Submission:

Labcorp Genetics (formerly Invitae), Labcorp
Classification: Uncertain significance for Pheochromocytoma/paraganglioma syndrome 3; Gastrointestinal stromal tumor. Last evaluated: 2025-03-31. Review status: criteria provided, single submitter. Criteria: Invitae Variant Classification Sherloc (09022015). Collection method: clinical testing. Allele origin: germline.
Comment: This sequence change replaces threonine, which is neutral and polar, with isoleucine, which is neutral and non-polar, at codon 32 of the SDHC protein (p.Thr32Ile). This variant is not present in population databases (gnomAD no frequency). This variant has not been reported in the literature in individuals affected with SDHC-related conditions. An algorithm developed to predict the effect of missense changes on protein structure and function (PolyPhen-2) suggests that this variant is likely to be disruptive. In summary, the available evidence is currently insufficient to determine the role of this variant in disease. Therefore, it has been classified as a Variant of Uncertain Significance.